The following is an entry in ClinVar:

ClinVar aggregate classification (germline): Benign. Review status: criteria provided, multiple submitters, no conflicts (2 of 4 stars). 2 submissions from 2 submitters: Benign (2). Last evaluated 2018-01-12.

Conditions:
SRD5A3-congenital disorder of glycosylation. Also called: CDG Iq; COLOBOMA, OCULAR, WITH ICHTHYOSIS, BRAIN MALFORMATIONS, AND ENDOCRINE ABNORMALITIES; Ocular colobomas, ichthyosis, brain malformations and endocrine abnormalities; Congenital disorder of glycosylation type 1Q; SRD5A3-CDG. Identifiers: Orphanet 324737, MedGen C4317224, MONDO:0012885, OMIM 612379.

Allele frequency attached by ClinVar (database versions not stated): 1000 Genomes Project 30x 0.01530; 1000 Genomes Project 0.01617; TOPMed 0.02623; gnomAD 0.03492 and 0.03578.

Submissions (2):

Illumina Laboratory Services, Illumina
Classification: Benign for SRD5A3-congenital disorder of glycosylation. Last evaluated: 2018-01-12. Review status: criteria provided, single submitter. Criteria: ICSL Variant Classification Criteria 13 December 2019. Collection method: clinical testing. Allele origin: germline.
Comment: This variant was observed in the ICSL laboratory as part of a predisposition screen in an ostensibly healthy population. It had not been previously curated by ICSL or reported in the Human Gene Mutation Database (HGMD: prior to June 1st, 2018), and was therefore a candidate for classification through an automated scoring system. Utilizing variant allele frequency, disease prevalence and penetrance estimates, and inheritance mode, an automated score was calculated to assess if this variant is too frequent to cause the disease. Based on the score and internal cut-off values, a variant classified as benign is not then subjected to further curation. The score for this variant resulted in a classification of benign for this disease.

Breakthrough Genomics
Classification: Benign. Review status: criteria provided, single submitter. Criteria: ACMG Guidelines, 2015. Collection method: not provided. Allele origin: germline. Inheritance: Autosomal recessive inheritance. Affected: yes.

NM_024592.5(SRD5A3):c.*2063G>A

Genes: SRD5A3 (steroid 5 alpha-reductase 3; plus strand), SRD5A3-AS1 (SRD5A3 antisense RNA 1; minus strand). Cytogenetic location: 4q12.
Variant type: single nucleotide variant.
Coding change: c.*2063G>A on transcript NM_024592.5 (MANE Select); 2063 bases downstream of the stop codon, G replaced by A.
Molecular consequence: 3 prime UTR variant.
Genome position (GRCh38, 1-based): chr4:55,372,154, G>A. VCF-style: chr4-55372154-G-A. GRCh37 (hg19) VCF-style: chr4-56238321-G-A.
Identifiers: ClinVar variation 349034 (VCV000349034.6), dbSNP rs73236134, ClinGen allele CA10621264.
Genomic context (GRCh38, chr4:55,372,154, plus strand): 5'-ATTTGCCATTCTCAGGAACAAAACTTTTTGTACATTGGAAATGGAAAACATTGCAGTTTG[G>A]TCTTAATTTCCACATGAATATCAAGTGTAATTTTTAATAAATTATTTGGAGAAAAATGTA-3'